The following is an entry in ClinVar:

NM_000540.3(RYR1):c.1335G>T (p.Gln445His)

Gene: RYR1 (ryanodine receptor 1; plus strand). Cytogenetic location: 19q13.2.
Variant type: single nucleotide variant.
Coding change: c.1335G>T on transcript NM_000540.3 (MANE Select); coding-DNA position 1335, G replaced by T.
Protein change: p.Gln445His; replaces glutamine 445 with histidine.
Molecular consequence: missense variant.
Genome position (GRCh38, 1-based): chr19:38,452,909, G>T. VCF-style: chr19-38452909-G-T. GRCh37 (hg19) VCF-style: chr19-38943549-G-T.
Other names: c.1335G>T, p.Gln445His (NM_001042723.2); short protein forms Q445H.
Identifiers: ClinVar variation 2961206 (VCV002961206.3), dbSNP rs2514016291, ClinGen allele CA405685866.

ClinVar aggregate classification (germline): Uncertain significance (1 of 4 stars; one submission).

Conditions:
RYR1-related disorder. Also called: RYR1-related condition; RYR1-related disorders. Identifiers: MedGen CN239331.

Submission:

Labcorp Genetics (formerly Invitae), Labcorp
Classification: Uncertain significance for RYR1-related disorder. Last evaluated: 2025-03-31. Review status: criteria provided, single submitter. Criteria: Invitae Variant Classification Sherloc (09022015). Collection method: clinical testing. Allele origin: germline.
Comment: This sequence change replaces glutamine, which is neutral and polar, with histidine, which is basic and polar, at codon 445 of the RYR1 protein (p.Gln445His). This variant is not present in population databases (gnomAD no frequency). This variant has not been reported in the literature in individuals affected with RYR1-related conditions. ClinVar contains an entry for this variant (Variation ID: 2961206). Invitae Evidence Modeling of protein sequence and biophysical properties (such as structural, functional, and spatial information, amino acid conservation, physicochemical variation, residue mobility, and thermodynamic stability) has been performed for this missense variant. However, the output from this modeling did not meet the statistical confidence thresholds required to predict the impact of this variant on RYR1 protein function. In summary, the available evidence is currently insufficient to determine the role of this variant in disease. Therefore, it has been classified as a Variant of Uncertain Significance.